The following is an entry in ClinVar:

ClinVar aggregate classification (germline): Uncertain significance (1 of 4 stars; one submission).

Submission:

Greenwood Genetic Center Diagnostic Laboratories, Greenwood Genetic Center
Classification: Uncertain significance. Last evaluated: 2023-02-01. Review status: criteria provided, single submitter. Criteria: ACMG Guidelines, 2015. Collection method: clinical testing. Allele origin: germline. Affected: yes.
Comment: PM2

NM_003128.3(SPTBN1):c.6234G>C (p.Arg2078Ser)

Gene: SPTBN1 (spectrin beta, non-erythrocytic 1; plus strand). Cytogenetic location: 2p16.2.
Variant type: single nucleotide variant.
Coding change: c.6234G>C on transcript NM_003128.3 (MANE Select); coding-DNA position 6234, G replaced by C.
Protein change: p.Arg2078Ser; replaces arginine 2078 with serine.
Molecular consequence: missense variant.
Genome position (GRCh38, 1-based): chr2:54,658,037, G>C. VCF-style: chr2-54658037-G-C. GRCh37 (hg19) VCF-style: chr2-54885174-G-C.
Other names: c.6195G>C, p.Arg2065Ser (NM_178313.3); short protein forms R2065S, R2078S.
Identifiers: ClinVar variation 2505261 (VCV002505261.1), dbSNP rs2549573573, ClinGen allele CA346856317.